The following is an entry in ClinVar:

ClinVar aggregate classification (germline): Uncertain significance (1 of 4 stars; one submission).

gnomAD v4.1: 2 of 1,583,766 alleles (0.00013%); highest among the groups gnomAD compares: Admixed American, 0.0018%; no homozygotes.

Submission:

Labcorp Genetics (formerly Invitae), Labcorp
Classification: Uncertain significance. Last evaluated: 2025-12-08. Review status: criteria provided, single submitter. Criteria: Invitae Variant Classification Sherloc (09022015). Collection method: clinical testing. Allele origin: germline.
Comment: This sequence change replaces alanine, which is neutral and non-polar, with valine, which is neutral and non-polar, at codon 1023 of the CACNA2D4 protein (p.Ala1023Val). This variant is not present in population databases (gnomAD no frequency). This variant has not been reported in the literature in individuals affected with CACNA2D4-related conditions. An algorithm developed to predict the effect of missense changes on protein structure and function (PolyPhen-2) suggests that this variant is likely to be tolerated. In summary, the available evidence is currently insufficient to determine the role of this variant in disease. Therefore, it has been classified as a Variant of Uncertain Significance.

NM_172364.5(CACNA2D4):c.3068C>T (p.Ala1023Val)

Gene: CACNA2D4 (calcium voltage-gated channel auxiliary subunit alpha2delta 4; minus strand). Cytogenetic location: 12p13.33.
Variant type: single nucleotide variant.
Coding change: c.3068C>T on transcript NM_172364.5 (MANE Select); coding-DNA position 3068, C replaced by T.
Protein change: p.Ala1023Val; replaces alanine 1023 with valine.
Molecular consequence: missense variant.
Genome position (GRCh38, 1-based): chr12:1,797,463, G>A on the plus strand (C>T on the coding strand, the complement: CACNA2D4 is on the minus strand). VCF-style: chr12-1797463-G-A. GRCh37 (hg19) VCF-style: chr12-1906629-G-A.
Other names: short protein forms A1023V.
Identifiers: ClinVar variation 4774224 (VCV004774224.1).